The following is an entry in ClinVar:

NM_004655.4(AXIN2):c.1583A>T (p.Lys528Met)

Gene: AXIN2 (axin 2; minus strand). Cytogenetic location: 17q24.1.
Variant type: single nucleotide variant.
Coding change: c.1583A>T on transcript NM_004655.4 (MANE Select); coding-DNA position 1583, A replaced by T.
Protein change: p.Lys528Met; replaces lysine 528 with methionine.
Molecular consequence: missense variant.
Genome position (GRCh38, 1-based): chr17:65,537,453, T>A on the plus strand (A>T on the coding strand, the complement: AXIN2 is on the minus strand). VCF-style: chr17-65537453-T-A. GRCh37 (hg19) VCF-style: chr17-63533571-T-A.
Other names: c.1583A>T, p.Lys528Met (NM_001363813.1); short protein forms K528M.
Identifiers: ClinVar variation 4744346 (VCV004744346.1).

ClinVar aggregate classification (germline): Uncertain significance (1 of 4 stars; one submission).

Conditions:
Oligodontia-cancer predisposition syndrome. Also called: TOOTH AGENESIS-COLORECTAL CANCER SYNDROME. Identifiers: Orphanet 300576, MedGen C1837750, MONDO:0012075, OMIM 608615. Disease mechanism: loss of function.

Submission:

Labcorp Genetics (formerly Invitae), Labcorp
Classification: Uncertain significance for Oligodontia-cancer predisposition syndrome. Last evaluated: 2025-03-26. Review status: criteria provided, single submitter. Criteria: Invitae Variant Classification Sherloc (09022015). Collection method: clinical testing. Allele origin: germline.
Comment: This sequence change replaces lysine, which is basic and polar, with methionine, which is neutral and non-polar, at codon 528 of the AXIN2 protein (p.Lys528Met). This variant is not present in population databases (gnomAD no frequency). This variant has not been reported in the literature in individuals affected with AXIN2-related conditions. Invitae Evidence Modeling of protein sequence and biophysical properties (such as structural, functional, and spatial information, amino acid conservation, physicochemical variation, residue mobility, and thermodynamic stability) has been performed for this missense variant. However, the output from this modeling did not meet the statistical confidence thresholds required to predict the impact of this variant on AXIN2 protein function. In summary, the available evidence is currently insufficient to determine the role of this variant in disease. Therefore, it has been classified as a Variant of Uncertain Significance.